The following is an entry in ClinVar:

ClinVar aggregate classification (germline): Benign. Review status: criteria provided, multiple submitters, no conflicts (2 of 4 stars). 2 submissions from 2 submitters: Benign (2). Last evaluated 2020-07-15.

Allele frequency attached by ClinVar (database versions not stated): 1000 Genomes Project 30x 0.04216; 1000 Genomes Project 0.04313; TOPMed 0.05226; gnomAD 0.06068 and 0.06117; gnomAD exomes 0.07434.
gnomAD v4.1: 27,312 of 397,406 alleles (6.9%); highest among the groups gnomAD compares: Non-Finnish European, 8.4%; 1,130 homozygotes.

Submissions (2):

GeneDx
Classification: Benign. Last evaluated: 2020-07-15. Review status: criteria provided, single submitter. Criteria: GeneDx Variant Classification Process June 2021. Collection method: clinical testing. Allele origin: germline. Affected: yes.
Comment: This variant is associated with the following publications: (PMID: 23629745)

Breakthrough Genomics
Classification: Benign. Review status: criteria provided, single submitter. Criteria: ACMG Guidelines, 2015. Collection method: not provided. Allele origin: germline. Inheritance: Unknown mechanism. Affected: yes.

NM_022720.7(DGCR8):c.*913G>A

Gene: DGCR8 (DGCR8 microprocessor complex subunit; plus strand). Cytogenetic location: 22q11.21.
Variant type: single nucleotide variant.
Coding change: c.*913G>A on transcript NM_022720.7 (MANE Select); 913 bases downstream of the stop codon, G replaced by A.
Molecular consequence: 3 prime UTR variant.
Genome position (GRCh38, 1-based): chr22:20,111,021, G>A. VCF-style: chr22-20111021-G-A. GRCh37 (hg19) VCF-style: chr22-20098544-G-A.
Other names: c.*913G>A (NM_001190326.2).
Identifiers: ClinVar variation 1274799 (VCV001274799.2), dbSNP rs417309, ClinGen allele CA14947946.